The following is an entry in ClinVar:

NM_000393.5(COL5A2):c.2408T>C (p.Leu803Ser)

Gene: COL5A2 (collagen type V alpha 2 chain; minus strand). Cytogenetic location: 2q32.2.
Variant type: single nucleotide variant.
Coding change: c.2408T>C on transcript NM_000393.5 (MANE Select); coding-DNA position 2408, T replaced by C.
Protein change: p.Leu803Ser; replaces leucine 803 with serine.
Molecular consequence: missense variant.
Genome position (GRCh38, 1-based): chr2:189,054,196, A>G on the plus strand (T>C on the coding strand, the complement: COL5A2 is on the minus strand). VCF-style: chr2-189054196-A-G. GRCh37 (hg19) VCF-style: chr2-189918922-A-G.
Other names: p.L803S:TTG>TCG; p.Leu803Ser; short protein forms L803S.
Identifiers: ClinVar variation 213150 (VCV000213150.50), dbSNP rs149737825, ClinGen allele CA320403.

ClinVar aggregate classification (germline): Conflicting classifications of pathogenicity. Review status: criteria provided, conflicting classifications (1 of 4 stars). 9 submissions from 9 submitters: Uncertain significance (1); Likely benign (7). 1 of the submissions does not count toward it. Last evaluated 2026-06-01.

Conditions:
Ehlers-Danlos syndrome, classic type, 1 (EDSCL1). Also called: EHLERS-DANLOS SYNDROME, GRAVIS TYPE; EHLERS-DANLOS SYNDROME, SEVERE CLASSIC TYPE; Ehlers-Danlos syndrome, type 1; Ehlers-Danlos Syndrome, Classic Type, COL5A1-Related; EDS I. Identifiers: MedGen C0268335, MONDO:0019567, OMIM 130000.
COL5A2-related disorder. Also called: COL5A2-related condition.
Ehlers-Danlos syndrome, classic type, 2 (EDSCL2). Also called: Ehlers-Danlos syndrome type 2 (formerly); Ehlers-Danlos syndrome, type 2; Ehlers-Danlos Syndrome, Classic Type, COL5A2-Related. Identifiers: Orphanet 287, Orphanet 90318, MedGen C0268336, MONDO:0019568, OMIM 130010.
Familial thoracic aortic aneurysm and aortic dissection (TAAD). Also called: Thoracic aortic aneurysms and dissections. Identifiers: Orphanet 91387, MedGen C4707243, MONDO:0019625.

Allele frequency attached by ClinVar (database versions not stated): gnomAD 0.00006 and 0.00007; gnomAD exomes 0.00012 and 0.00014; TOPMed 0.00012; ESP Exome Variant Server 0.00015; ExAC 0.00016; 1000 Genomes Project 30x 0.00031; 1000 Genomes Project 0.00040.
gnomAD v4.1: 191 of 1,614,110 alleles (0.012%); highest among the groups gnomAD compares: Middle Eastern, 0.74%; 1 homozygote.

Submissions (9):

Women's Health and Genetics/Laboratory Corporation of America, LabCorp
Classification: Likely benign. Last evaluated: 2026-06-01. Review status: criteria provided, single submitter. Criteria: LabCorp Variant Classification Summary - May 2015. Collection method: clinical testing. Allele origin: germline.
Comment: Variant summary: COL5A2 c.2408T>C (p.Leu803Ser) results in a non-conservative amino acid change in the encoded protein sequence. Algorithms developed to predict the effect of missense changes on protein structure and function all suggest that this variant is likely to be disruptive. The variant allele was found at a frequency of 0.00014 in 251308 control chromosomes, predominantly at a frequency of 0.00018 within the Non-Finnish European subpopulation in the gnomAD database. The observed variant frequency within Non-Finnish European control individuals in the gnomAD database exceeds the estimated maximal expected allele frequency for disease-causing variants in COL5A2. To our knowledge, no occurrence of c.2408T>C in individuals affected with COL5A2-related conditions and no experimental evidence demonstrating its impact on protein function have been reported. ClinVar contains an entry for this variant (Variation ID: 213150). Based on the evidence outlined above, the variant was classified as likely benign.

Labcorp Genetics (formerly Invitae), Labcorp
Classification: Likely benign for Ehlers-Danlos syndrome, classic type, 1. Last evaluated: 2026-01-19. Review status: criteria provided, single submitter. Criteria: Invitae Variant Classification Sherloc (09022015). Collection method: clinical testing. Allele origin: germline.

Blueprint Genetics
Classification: Likely benign. Last evaluated: 2024-09-23. Review status: criteria provided, single submitter. Criteria: ACMG Guidelines, 2015. Collection method: clinical testing. Allele origin: germline.

GeneDx
Classification: Likely benign. Last evaluated: 2024-05-28. Review status: criteria provided, single submitter. Criteria: GeneDx Variant Classification Process June 2021. Collection method: clinical testing. Allele origin: germline. Affected: yes.
Comment: Has not been previously published as pathogenic or benign to our knowledge; In silico analysis supports that this missense variant has a deleterious effect on protein structure/function

CeGaT Center for Human Genetics Tuebingen
Classification: Likely benign. Last evaluated: 2024-04-01. Review status: criteria provided, single submitter. Criteria: CeGaT Center For Human Genetics Tuebingen Variant Classification Criteria Version 2. Collection method: clinical testing. Allele origin: germline. Affected: yes. Observed: 1 variant allele.
Comment: COL5A2: BS2

Mayo Clinic Laboratories, Mayo Clinic
Classification: Uncertain significance. Last evaluated: 2021-04-15. Review status: criteria provided, single submitter. Criteria: ACMG Guidelines, 2015. Collection method: clinical testing. Allele origin: germline.

Ambry Genetics
Classification: Likely benign for Familial thoracic aortic aneurysm and aortic dissection. Last evaluated: 2020-06-17. Review status: criteria provided, single submitter. Criteria: Ambry Variant Classification Scheme 2023. Collection method: clinical testing. Allele origin: germline.

Illumina Laboratory Services, Illumina
Classification: Likely benign for Ehlers-Danlos syndrome, classic type, 2. Last evaluated: 2018-01-12. Review status: criteria provided, single submitter. Criteria: ICSL Variant Classification Criteria 13 December 2019. Collection method: clinical testing. Allele origin: germline.
Comment: This variant was observed in the ICSL laboratory as part of a predisposition screen in an ostensibly healthy population. It had not been previously curated by ICSL or reported in the Human Gene Mutation Database (HGMD: prior to June 1st, 2018), and was therefore a candidate for classification through an automated scoring system. Utilizing variant allele frequency, disease prevalence and penetrance estimates, and inheritance mode, an automated score was calculated to assess if this variant is too frequent to cause the disease. Based on the score and internal cut-off values, a variant classified as likely benign is not then subjected to further curation. The score for this variant resulted in a classification of likely benign for this disease.

PreventionGenetics, part of Exact Sciences
Classification: Likely benign for COL5A2-related condition. Last evaluated: 2022-11-16. Review status: no assertion criteria provided. Collection method: clinical testing. Allele origin: germline. Not counted in ClinVar's aggregate classification.
Comment: This variant is classified as likely benign based on ACMG/AMP sequence variant interpretation guidelines (Richards et al. 2015 PMID: 25741868, with internal and published modifications).